The following is an entry in ClinVar:

NM_001093.4(ACACB):c.2779-7G>A

Gene: ACACB (acetyl-CoA carboxylase beta; plus strand). Cytogenetic location: 12q24.11.
Variant type: single nucleotide variant.
Coding change: c.2779-7G>A on transcript NM_001093.4 (MANE Select); 7 bases into the intron before coding-DNA position 2779, G replaced by A.
Molecular consequence: intron variant.
Genome position (GRCh38, 1-based): chr12:109,201,560, G>A. VCF-style: chr12-109201560-G-A. GRCh37 (hg19) VCF-style: chr12-109639365-G-A.
Other names: c.2779-7G>A (NM_001412734.1, NM_001412735.1); c.2152-7G>A (NM_001412737.1); c.2173-7G>A (NM_001412736.1, NM_001412738.1, NM_001412739.1 and 1 more transcripts).
Identifiers: ClinVar variation 3036742 (VCV003036742.2), dbSNP rs149575308, ClinGen allele CA6773778.

ClinVar aggregate classification (germline): Likely benign (0 of 4 stars; one submission).

Conditions:
ACACB-related disorder. Also called: ACACB-related condition.

Allele frequency attached by ClinVar (database versions not stated): gnomAD exomes 0.00007; ExAC 0.00010; ESP Exome Variant Server 0.00023; TOPMed 0.00034; gnomAD 0.00035; 1000 Genomes Project 30x 0.00047; 1000 Genomes Project 0.00060.

Submission:

PreventionGenetics, part of Exact Sciences
Classification: Likely benign for ACACB-related condition. Last evaluated: 2022-11-04. Review status: no assertion criteria provided. Collection method: clinical testing. Allele origin: germline.
Comment: This variant is classified as likely benign based on ACMG/AMP sequence variant interpretation guidelines (Richards et al. 2015 PMID: 25741868, with internal and published modifications).